The following is an entry in ClinVar:

NM_017547.4(FOXRED1):c.1033A>G (p.Thr345Ala)

Gene: FOXRED1 (FAD dependent oxidoreductase domain containing 1; plus strand). Cytogenetic location: 11q24.2.
Variant type: single nucleotide variant.
Coding change: c.1033A>G on transcript NM_017547.4 (MANE Select); coding-DNA position 1033, A replaced by G.
Protein change: p.Thr345Ala; replaces threonine 345 with alanine.
Molecular consequence: missense variant. On other transcripts: non-coding transcript variant (2).
Genome position (GRCh38, 1-based): chr11:126,276,455, A>G. VCF-style: chr11-126276455-A-G. GRCh37 (hg19) VCF-style: chr11-126146350-A-G.
Other names: short protein forms T345A.
Identifiers: ClinVar variation 2162577 (VCV002162577.2), dbSNP rs900444681, ClinGen allele CA230562822.

ClinVar aggregate classification (germline): Uncertain significance (1 of 4 stars; one submission).

Allele frequency attached by ClinVar (database versions not stated): gnomAD exomes below 0.00001; gnomAD 0.00003; TOPMed 0.00003.
gnomAD v4.1: 10 of 1,607,824 alleles (0.00062%); highest among the groups gnomAD compares: African/African-American, 0.011%; no homozygotes.

Submission:

Labcorp Genetics (formerly Invitae), Labcorp
Classification: Uncertain significance. Last evaluated: 2024-03-11. Review status: criteria provided, single submitter. Criteria: Invitae Variant Classification Sherloc (09022015). Collection method: clinical testing. Allele origin: germline.
Comment: This sequence change replaces threonine, which is neutral and polar, with alanine, which is neutral and non-polar, at codon 345 of the FOXRED1 protein (p.Thr345Ala). This variant is not present in population databases (gnomAD no frequency). This variant has not been reported in the literature in individuals affected with FOXRED1-related conditions. ClinVar contains an entry for this variant (Variation ID: 2162577). Algorithms developed to predict the effect of missense changes on protein structure and function output the following: SIFT: "Not Available"; PolyPhen-2: "Benign"; Align-GVGD: "Not Available". The alanine amino acid residue is found in multiple mammalian species, which suggests that this missense change does not adversely affect protein function. In summary, the available evidence is currently insufficient to determine the role of this variant in disease. Therefore, it has been classified as a Variant of Uncertain Significance.